The following is an entry in ClinVar:

ClinVar aggregate classification (germline): Conflicting classifications of pathogenicity. Review status: criteria provided, conflicting classifications (1 of 4 stars). 5 submissions from 5 submitters: Uncertain significance (4); Likely benign (1). Last evaluated 2024-03-05.

Conditions:
Loeys-Dietz syndrome 2 (LDS2). Also called: TGFBR2-Related Loeys-Dietz Syndrome; AORTIC ANEURYSM, FAMILIAL THORACIC 3; MARFAN SYNDROME, TYPE II; Marfan Syndrome type 2; Marfan like connective tissue disorder; MFS 2. Identifiers: Orphanet 284973, Orphanet 558, MedGen C2674574, MONDO:0012427, OMIM 610168.
Diabetic retinopathy. Identifiers: MedGen C0011884, MONDO:0005266.
Familial thoracic aortic aneurysm and aortic dissection (TAAD). Also called: Thoracic aortic aneurysms and dissections. Identifiers: Orphanet 91387, MedGen C4707243, MONDO:0019625.

Allele frequency attached by ClinVar (database versions not stated): gnomAD exomes below 0.00001; TOPMed 0.00003; gnomAD 0.00007 and 0.00008.
gnomAD v4.1: 13 of 1,614,022 alleles (0.00081%); highest among the groups gnomAD compares: Admixed American, 0.02%; no homozygotes.

Submissions (5):

All of Us Research Program, National Institutes of Health
Classification: Uncertain significance for Loeys-Dietz syndrome 2. Last evaluated: 2024-03-05. Review status: criteria provided, single submitter. Criteria: ACMG Guidelines, 2015. Collection method: clinical testing. Allele origin: germline. Inheritance: Autosomal dominant inheritance. Observed: 2 variant alleles, 2 heterozygotes.
Comment: This missense variant replaces asparagine with serine at codon 67 of the TGFBR2 protein. Computational prediction tools and conservation analyses are inconclusive regarding the impact of this variant on protein structure and function. Splice site prediction tools suggest that this variant may not impact RNA splicing. To our knowledge, functional studies have not been performed for this variant. This variant has not been reported in individuals affected with cardiovascular disorders in the literature. This variant has been identified in 1/251034 chromosomes in the general population by the Genome Aggregation Database (gnomAD). The available evidence is insufficient to determine the role of this variant in disease conclusively. Therefore, this variant is classified as a Variant of Uncertain Significance.

This study involves interpretation of variants in research participants for the purpose of population health screening. Participant phenotype was not available at the time of variant classification. Additional details can be found in publication PMID: 35346344, PMCID: PMC8962531

Color Diagnostics, LLC DBA Color Health
Classification: Uncertain significance for Familial thoracic aortic aneurysm and aortic dissection. Last evaluated: 2023-12-04. Review status: criteria provided, single submitter. Criteria: ACMG Guidelines, 2015. Collection method: clinical testing. Allele origin: germline.
Comment: This missense variant replaces asparagine with serine at codon 67 of the TGFBR2 protein. Computational prediction tools and conservation analyses are inconclusive regarding the impact of this variant on protein structure and function. Splice site prediction tools suggest that this variant may not impact RNA splicing. To our knowledge, functional studies have not been performed for this variant. This variant has not been reported in individuals affected with cardiovascular disorders in the literature. This variant has been identified in 1/251034 chromosomes in the general population by the Genome Aggregation Database (gnomAD). The available evidence is insufficient to determine the role of this variant in disease conclusively. Therefore, this variant is classified as a Variant of Uncertain Significance.

Labcorp Genetics (formerly Invitae), Labcorp
Classification: Uncertain significance for Familial thoracic aortic aneurysm and aortic dissection. Last evaluated: 2022-12-06. Review status: criteria provided, single submitter. Criteria: Invitae Variant Classification Sherloc (09022015). Collection method: clinical testing. Allele origin: germline.
Comment: This variant is present in population databases (no rsID available, gnomAD 0.003%). This sequence change replaces asparagine, which is neutral and polar, with serine, which is neutral and polar, at codon 42 of the TGFBR2 protein (p.Asn42Ser). This variant has not been reported in the literature in individuals affected with TGFBR2-related conditions. In summary, the available evidence is currently insufficient to determine the role of this variant in disease. Therefore, it has been classified as a Variant of Uncertain Significance. Advanced modeling of protein sequence and biophysical properties (such as structural, functional, and spatial information, amino acid conservation, physicochemical variation, residue mobility, and thermodynamic stability) performed at Invitae indicates that this missense variant is not expected to disrupt TGFBR2 protein function. ClinVar contains an entry for this variant (Variation ID: 920145).

Ambry Genetics
Classification: Uncertain significance for Familial thoracic aortic aneurysm and aortic dissection. Last evaluated: 2022-06-12. Review status: criteria provided, single submitter. Criteria: Ambry Variant Classification Scheme 2023. Collection method: clinical testing. Allele origin: germline.
Comment: The p.N42S variant (also known as c.125A>G), located in coding exon 2 of the TGFBR2 gene, results from an A to G substitution at nucleotide position 125. The asparagine at codon 42 is replaced by serine, an amino acid with highly similar properties. This amino acid position is conserved. In addition, this alteration is predicted to be tolerated by in silico analysis. Since supporting evidence is limited at this time, the clinical significance of this alteration remains unclear.

Clinical Genomics, Uppaluri K&H Personalized Medicine Clinic
Classification: Likely benign for Diabetic retinopathy. Review status: criteria provided, single submitter. Criteria: K And H Uppaluri Personalized Medicine Clinic Variant Classification And Assertion Criteria Updated V 2. Collection method: research. Allele origin: unknown.
Comment: Potent mutations in TGFBR2 gene encodes the transforming growth factor that have been associated with angiogenesis and diabetic retinopathy. More clinical studies are needed for stronger association. However, more evidence is required to confer the association of this particular variant rs1305653433 with diabetic retinopathy.

Literature cited by the submitters: PubMed 30222965 (cited by Clinical Genomics, Uppaluri K&H Personalized Medicine Clinic); PubMed 28162229 (cited by Clinical Genomics, Uppaluri K&H Personalized Medicine Clinic); PubMed 34572573 (cited by Clinical Genomics, Uppaluri K&H Personalized Medicine Clinic).

NM_003242.6(TGFBR2):c.125A>G (p.Asn42Ser)

Gene: TGFBR2 (transforming growth factor beta receptor 2; plus strand). Cytogenetic location: 3p24.1.
Variant type: single nucleotide variant.
Coding change: c.125A>G on transcript NM_003242.6 (MANE Select); coding-DNA position 125, A replaced by G.
Protein change: p.Asn42Ser; replaces asparagine 42 with serine.
Molecular consequence: missense variant.
Genome position (GRCh38, 1-based): chr3:30,644,777, A>G. VCF-style: chr3-30644777-A-G. GRCh37 (hg19) VCF-style: chr3-30686269-A-G.
Other names: c.200A>G, p.Asn67Ser (NM_001024847.3, NM_001407126.1, NM_001407139.1); c.125A>G, p.Asn42Ser (NM_001407127.1, NM_001407130.1); c.152A>G, p.Asn51Ser (NM_001407128.1); c.20A>G, p.Asn7Ser (NM_001407129.1, NM_001407132.1, NM_001407133.1 and 3 more transcripts); short protein forms N67S, N42S, N7S, N51S.
Identifiers: ClinVar variation 920145 (VCV000920145.15), dbSNP rs1305653433, ClinGen allele CA351806358.